The following is an entry in ClinVar:

NM_004252.5(NHERF1):c.-116C>T

Genes: NHERF1 (NHERF family PDZ scaffold protein 1; plus strand), SLC9A3R1-AS1 (SLC9A3R1 antisense RNA 1; minus strand), LOC130061617 (ATAC-STARR-seq lymphoblastoid silent region 8939; plus strand). Cytogenetic location: 17q25.1.
Variant type: single nucleotide variant.
Coding change: c.-116C>T on transcript NM_004252.5 (MANE Select); 116 bases upstream of the start codon, C replaced by T.
Molecular consequence: 5 prime UTR variant.
Genome position (GRCh38, 1-based): chr17:74,748,731, C>T. VCF-style: chr17-74748731-C-T. GRCh37 (hg19) VCF-style: chr17-72744870-C-T.
Identifiers: ClinVar variation 2572959 (VCV002572959.1), dbSNP rs551803753, ClinGen allele CA8750510.

ClinVar aggregate classification (germline): Likely benign (1 of 4 stars; one submission).

Allele frequency attached by ClinVar (database versions not stated): 1000 Genomes Project 0.00160; 1000 Genomes Project 30x 0.00203; gnomAD 0.00296; TOPMed 0.00342.
gnomAD v4.1: 643 of 926,672 alleles (0.069%); highest among the groups gnomAD compares: African/African-American, 0.95%; 4 homozygotes.

Submission:

GeneDx
Classification: Likely benign. Last evaluated: 2021-05-25. Review status: criteria provided, single submitter. Criteria: GeneDx Variant Classification Process June 2021. Collection method: clinical testing. Allele origin: germline. Affected: yes.
Comment: See Variant Classification Assertion Criteria.